The following is an entry in ClinVar:

NM_021625.5(TRPV4):c.2355G>C (p.Trp785Cys)

Gene: TRPV4 (transient receptor potential cation channel subfamily V member 4; minus strand). Cytogenetic location: 12q24.11.
Variant type: single nucleotide variant.
Coding change: c.2355G>C on transcript NM_021625.5 (MANE Select); coding-DNA position 2355, G replaced by C.
Protein change: p.Trp785Cys; replaces tryptophan 785 with cysteine.
Molecular consequence: missense variant.
Genome position (GRCh38, 1-based): chr12:109,784,419, C>G on the plus strand (G>C on the coding strand, the complement: TRPV4 is on the minus strand). VCF-style: chr12-109784419-C-G. GRCh37 (hg19) VCF-style: chr12-110222224-C-G.
Other names: c.2214G>C, p.Trp738Cys (NM_001177428.2); c.2253G>C, p.Trp751Cys (NM_001177431.2); c.2034G>C, p.Trp678Cys (NM_001177433.2); c.2175G>C, p.Trp725Cys (NM_147204.3); short protein forms W678C, W725C, W738C, W751C, W785C.
Identifiers: ClinVar variation 4292777 (VCV004292777.1).

ClinVar aggregate classification (germline): Likely pathogenic (1 of 4 stars; one submission).

Conditions:
TRPV4-related disorder. Also called: TRPV4-related disorders; TRPV4-related condition.

Submission:

3billion
Classification: Likely pathogenic for TRPV4-related disorder. Last evaluated: 2024-11-24. Review status: criteria provided, single submitter. Criteria: ACMG Guidelines, 2015. Collection method: clinical testing. Allele origin: germline. Affected: yes.
Comment: The variant is not observed in the gnomAD v4.1.0 dataset. Predicted Consequence/Location: Missense variant. Missense changes are a common disease-causing mechanism. In silico tool predictions suggest damaging effect of the variant on gene or gene product [REVEL: 0.81 (>=0.6, sensitivity 0.68 and specificity 0.92); 3Cnet: 0.95 (>=0.6, sensitivity 0.72 and precision 0.9)]. The different nucleotide change resulting in the same amino acid change has been previously reported to be associated with TRPV4 related disorder(PMID: 33075594).Different missense changes at the same codon (p.Trp785Arg, p.Trp785Ser) have been reported to be associated with TRPV4 related disorder (ClinVar ID: VCV001683444 /PMID: 33726816, 36307859). Therefore, this variant is classified as Likely pathogenic according to the recommendation of ACMG/AMP guideline.

Literature cited by the submitters: PubMed 33726816; PubMed 33075594.